The following is an entry in ClinVar:

NM_003737.4(DCHS1):c.1484T>A (p.Val495Glu)

Gene: DCHS1 (dachsous cadherin-related 1; minus strand). Cytogenetic location: 11p15.4.
Variant type: single nucleotide variant.
Coding change: c.1484T>A on transcript NM_003737.4 (MANE Select); coding-DNA position 1484, T replaced by A.
Protein change: p.Val495Glu; replaces valine 495 with glutamic acid.
Molecular consequence: missense variant.
Genome position (GRCh38, 1-based): chr11:6,640,130, A>T on the plus strand (T>A on the coding strand, the complement: DCHS1 is on the minus strand). VCF-style: chr11-6640130-A-T. GRCh37 (hg19) VCF-style: chr11-6661361-A-T.
Other names: short protein forms V495E.
Identifiers: ClinVar variation 2899890 (VCV002899890.3), dbSNP rs1160991683, ClinGen allele CA379431818.
Genomic context (GRCh38, chr11:6,640,130, plus strand): 5'-CCAGGGGCTAGGCTATAAGTGACCTGACCATTGGTGCCTTGGTCAGGATCCCGAGCAGTC[A>T]CCCGCACTACAAAGCTGCCAGGCAGCGCAACCTCAGGCAGGGGCTCAGGTCGGTAGAGCT-3'
Protein context (NP_003728.1, residues 485-505): VALPGSFVVR[Val495Glu]TARDPDQGTN

ClinVar aggregate classification (germline): Uncertain significance (1 of 4 stars; one submission).

Allele frequency attached by ClinVar (database versions not stated): gnomAD 0.00001; gnomAD exomes below 0.00001; TOPMed below 0.00001.
gnomAD v4.1: 3 of 1,613,512 alleles (0.00019%); highest among the groups gnomAD compares: Non-Finnish European, 0.00025%; no homozygotes.

Submission:

Labcorp Genetics (formerly Invitae), Labcorp
Classification: Uncertain significance. Last evaluated: 2025-03-31. Review status: criteria provided, single submitter. Criteria: Invitae Variant Classification Sherloc (09022015). Collection method: clinical testing. Allele origin: germline.
Comment: This sequence change replaces valine, which is neutral and non-polar, with glutamic acid, which is acidic and polar, at codon 495 of the DCHS1 protein (p.Val495Glu). This variant is not present in population databases (gnomAD no frequency). This variant has not been reported in the literature in individuals affected with DCHS1-related conditions. ClinVar contains an entry for this variant (Variation ID: 2899890). Invitae Evidence Modeling of protein sequence and biophysical properties (such as structural, functional, and spatial information, amino acid conservation, physicochemical variation, residue mobility, and thermodynamic stability) indicates that this missense variant is not expected to disrupt DCHS1 protein function with a negative predictive value of 80%. In summary, the available evidence is currently insufficient to determine the role of this variant in disease. Therefore, it has been classified as a Variant of Uncertain Significance.